The following is an entry in ClinVar:

ClinVar aggregate classification (germline): Uncertain significance (1 of 4 stars; one submission).

Allele frequency attached by ClinVar (database versions not stated): gnomAD exomes below 0.00001; ExAC 0.00001; gnomAD 0.00001; TOPMed 0.00001.
gnomAD v4.1: 8 of 1,609,600 alleles (0.0005%); highest among the groups gnomAD compares: African/African-American, 0.0013%; no homozygotes.

Submission:

Labcorp Genetics (formerly Invitae), Labcorp
Classification: Uncertain significance. Last evaluated: 2023-11-27. Review status: criteria provided, single submitter. Criteria: Invitae Variant Classification Sherloc (09022015). Collection method: clinical testing. Allele origin: germline.
Comment: This sequence change replaces arginine, which is basic and polar, with glutamine, which is neutral and polar, at codon 1691 of the RIMS1 protein (p.Arg1691Gln). This variant is present in population databases (rs749878015, gnomAD no frequency). This variant has not been reported in the literature in individuals affected with RIMS1-related conditions. ClinVar contains an entry for this variant (Variation ID: 1480405). An algorithm developed to predict the effect of missense changes on protein structure and function (PolyPhen-2) suggests that this variant is likely to be disruptive. In summary, the available evidence is currently insufficient to determine the role of this variant in disease. Therefore, it has been classified as a Variant of Uncertain Significance.

NM_014989.7(RIMS1):c.5072G>A (p.Arg1691Gln)

Gene: RIMS1 (regulating synaptic membrane exocytosis 1; plus strand). Cytogenetic location: 6q13.
Variant type: single nucleotide variant.
Coding change: c.5072G>A on transcript NM_014989.7 (MANE Select); coding-DNA position 5072, G replaced by A.
Protein change: p.Arg1691Gln; replaces arginine 1691 with glutamine.
Molecular consequence: missense variant.
Genome position (GRCh38, 1-based): chr6:72,400,707, G>A. VCF-style: chr6-72400707-G-A. GRCh37 (hg19) VCF-style: chr6-73110409-G-A.
Other names: c.3032G>A, p.Arg1011Gln (NM_001168407.2); c.2447G>A, p.Arg816Gln (NM_001168408.2, NM_001350430.2); c.2276G>A, p.Arg759Gln (NM_001168409.2); c.2474G>A, p.Arg825Gln (NM_001168410.2); c.653G>A, p.Arg218Gln (NM_001168411.2); c.2993G>A, p.Arg998Gln (NM_001350414.2); c.3089G>A, p.Arg1030Gln (NM_001350415.2); c.3038G>A, p.Arg1013Gln (NM_001350416.2); and 54 more; short protein forms R1014Q, R1026Q, R1040Q, R218Q, R785Q, R789Q, R825Q, R839Q.
Identifiers: ClinVar variation 1480405 (VCV001480405.6), dbSNP rs749878015, ClinGen allele CA3886655.